The following is an entry in ClinVar:

NM_001371986.1(UNC80):c.7880G>A (p.Arg2627Gln)

Gene: UNC80 (unc-80 subunit of NALCN channel complex; plus strand). Cytogenetic location: 2q34.
Variant type: single nucleotide variant.
Coding change: c.7880G>A on transcript NM_001371986.1 (MANE Select); coding-DNA position 7880, G replaced by A.
Protein change: p.Arg2627Gln; replaces arginine 2627 with glutamine.
Molecular consequence: missense variant.
Genome position (GRCh38, 1-based): chr2:209,967,511, G>A. VCF-style: chr2-209967511-G-A. GRCh37 (hg19) VCF-style: chr2-210832235-G-A.
Other names: c.7682G>A, p.Arg2561Gln (NM_032504.2); c.7667G>A, p.Arg2556Gln (NM_182587.4); short protein forms R2556Q, R2627Q, R2561Q.
Identifiers: ClinVar variation 1028456 (VCV001028456.7), dbSNP rs79390501, ClinGen allele CA2083510.

ClinVar aggregate classification (germline): Conflicting classifications of pathogenicity. Review status: criteria provided, conflicting classifications (1 of 4 stars). 3 submissions from 3 submitters: Uncertain significance (2); Likely benign (1). Last evaluated 2026-01-21.

Conditions:
Hypotonia, infantile, with psychomotor retardation and characteristic facies 2 (IHPRF2). Also called: UNC80 Deficiency. Identifiers: Orphanet 371364, Orphanet 700333, MedGen C4225203, MONDO:0014777, OMIM 616801.
Inborn genetic diseases. Identifiers: MedGen C0950123, MeSH D030342.

Allele frequency attached by ClinVar (database versions not stated): ExAC 0.00005; gnomAD 0.00005; TOPMed 0.00007; ESP Exome Variant Server 0.00022; gnomAD exomes 0.00022.
gnomAD v4.1: 69 of 1,551,330 alleles (0.0044%); highest among the groups gnomAD compares: Admixed American, 0.1%; no homozygotes.

Submissions (3):

Labcorp Genetics (formerly Invitae), Labcorp
Classification: Likely benign. Last evaluated: 2026-01-21. Review status: criteria provided, single submitter. Criteria: Invitae Variant Classification Sherloc (09022015). Collection method: clinical testing. Allele origin: germline.

Ambry Genetics
Classification: Uncertain significance for Inborn genetic diseases. Last evaluated: 2020-12-02. Review status: criteria provided, single submitter. Criteria: Ambry Variant Classification Scheme 2023. Collection method: clinical testing. Allele origin: germline.
Comment: The c.7682G>A (p.R2561Q) alteration is located in exon 51 (coding exon 51) of the UNC80 gene. This alteration results from a G to A substitution at nucleotide position 7682, causing the arginine (R) at amino acid position 2561 to be replaced by a glutamine (Q). The p.R2561Q alteration is predicted to be tolerated by in silico analysis. Based on insufficient or conflicting evidence, the clinical significance of this alteration remains unclear.

Baylor Genetics
Classification: Uncertain significance for Hypotonia, infantile, with psychomotor retardation and characteristic facies 2. Last evaluated: 2019-02-21. Review status: criteria provided, single submitter. Criteria: ACMG Guidelines, 2015. Collection method: clinical testing. Allele origin: unknown. Affected: yes.
Comment: This variant was determined to be of uncertain significance according to ACMG Guidelines, 2015 [PMID:25741868].